The following is an entry in ClinVar:

ClinVar aggregate classification (germline): Likely benign (1 of 4 stars; one submission).

Conditions:
POLD1-related polyposis and colorectal cancer syndrome (CRCS10). Also called: Colorectal cancer 10; COLORECTAL CANCER, SUSCEPTIBILITY TO, ON CHROMOSOME 19q; Colorectal cancer, susceptibility to, 10. Identifiers: Orphanet 220460, MedGen C2675481, MONDO:0012953, OMIM 612591.

Submission:

Myriad Genetics, Inc.
Classification: Likely benign for POLD1-related polyposis and colorectal cancer syndrome. Last evaluated: 2025-02-05. Review status: criteria provided, single submitter. Criteria: Myriad Autosomal Dominant, Autosomal Recessive and X-Linked Classification Criteria (2023). Collection method: clinical testing. Allele origin: unknown.
Comment: This variant is considered likely benign. This variant is intronic and is not expected to impact mRNA splicing.

NM_002691.4(POLD1):c.1243-17C>T

Gene: POLD1 (DNA polymerase delta 1, catalytic subunit; plus strand). Cytogenetic location: 19q13.33.
Variant type: single nucleotide variant.
Coding change: c.1243-17C>T on transcript NM_002691.4 (MANE Select); 17 bases into the intron before coding-DNA position 1243, C replaced by T.
Molecular consequence: intron variant.
Genome position (GRCh38, 1-based): chr19:50,406,165, C>T. VCF-style: chr19-50406165-C-T. GRCh37 (hg19) VCF-style: chr19-50909422-C-T.
Other names: c.1243-17C>T (NM_001256849.1, NM_001308632.1).
Identifiers: ClinVar variation 3904116 (VCV003904116.1).